The following is an entry in ClinVar:

NM_006204.4(PDE6C):c.1072-8C>T

Gene: PDE6C (phosphodiesterase 6C; plus strand). Cytogenetic location: 10q23.33.
Variant type: single nucleotide variant.
Coding change: c.1072-8C>T on transcript NM_006204.4 (MANE Select); 8 bases into the intron before coding-DNA position 1072, C replaced by T.
Molecular consequence: intron variant.
Genome position (GRCh38, 1-based): chr10:93,629,250, C>T. VCF-style: chr10-93629250-C-T. GRCh37 (hg19) VCF-style: chr10-95389007-C-T.
Identifiers: ClinVar variation 301630 (VCV000301630.15), dbSNP rs781649493, ClinGen allele CA5610054.

ClinVar aggregate classification (germline): Conflicting classifications of pathogenicity. Review status: criteria provided, conflicting classifications (1 of 4 stars). 5 submissions from 4 submitters: Uncertain significance (2); Likely benign (3). Last evaluated 2025-12-11.

Conditions:
PDE6C-related disorder. Also called: PDE6C-related condition.
Achromatopsia. Also called: Rod monochromatism. Identifiers: Orphanet 49382, MedGen C0152200, MONDO:0018852, HP:0011516.
Cone dystrophy 4 (COD4). Identifiers: Orphanet 49382, MedGen C2751308, MONDO:0013129, OMIM 613093.

Allele frequency attached by ClinVar (database versions not stated): ExAC 0.00001; gnomAD 0.00001; gnomAD exomes 0.00001.
gnomAD v4.1: 31 of 1,606,714 alleles (0.0019%); highest among the groups gnomAD compares: East Asian, 0.013%; no homozygotes.

Submissions (5):

Labcorp Genetics (formerly Invitae), Labcorp
Classification: Likely benign. Last evaluated: 2025-12-11. Review status: criteria provided, single submitter. Criteria: Invitae Variant Classification Sherloc (09022015). Collection method: clinical testing. Allele origin: germline.

PreventionGenetics, part of Exact Sciences
Classification: Likely benign for PDE6C-related condition. Last evaluated: 2025-04-24. Review status: criteria provided, single submitter. Criteria: ACMG Guidelines, 2015. Collection method: clinical testing. Allele origin: germline.
Comment: This variant is classified as likely benign based on ACMG/AMP sequence variant interpretation guidelines (Richards et al. 2015 PMID: 25741868, with internal and published modifications).

Blueprint Genetics
Classification: Likely benign. Last evaluated: 2024-07-02. Review status: criteria provided, single submitter. Criteria: ACMG Guidelines, 2015. Collection method: clinical testing. Allele origin: germline.

Illumina Laboratory Services, Illumina
Classification: Uncertain significance for Achromatopsia. Last evaluated: 2018-01-12. Review status: criteria provided, single submitter. Criteria: ICSL Variant Classification Criteria 13 December 2019. Collection method: clinical testing. Allele origin: germline.

Illumina Laboratory Services, Illumina
Classification: Uncertain significance for Cone dystrophy 4. Last evaluated: 2018-01-12. Review status: criteria provided, single submitter. Criteria: ICSL Variant Classification Criteria 13 December 2019. Collection method: clinical testing. Allele origin: germline.